The following is an entry in ClinVar:

Conditions:
Breast-ovarian cancer, familial, susceptibility to, 1 (BROVCA1). Also called: BRCA1 Hereditary Breast and Ovarian Cancer; OVARIAN CANCER, SUSCEPTIBILITY TO. Identifiers: Orphanet 145, MedGen C2676676, MONDO:0011450, OMIM 604370. Disease mechanism: loss of function.

Submission:

Brotman Baty Institute, University of Washington
No classification provided (evidence only). Condition: Breast-ovarian cancer, familial 1. Review status: no classification provided. Collection method: in vitro. Allele origin: not applicable. Functional consequence: functionally_normal.
ClinVar note: "not provided" was previously submitted as the classification for the variant. However, the classification appeared to be based only on an observation of functional data so it was converted to no classification on 2025-07-30.

NM_007294.4(BRCA1):c.73C>T (p.Pro25Ser)

Gene: BRCA1 (BRCA1 DNA repair associated; minus strand). Cytogenetic location: 17q21.31.
Variant type: single nucleotide variant.
Coding change: c.73C>T on transcript NM_007294.4 (MANE Select); coding-DNA position 73, C replaced by T.
Protein change: p.Pro25Ser; replaces proline 25 with serine.
Molecular consequence: missense variant. On other transcripts: 5 prime UTR variant (1), non-coding transcript variant (1).
Genome position (GRCh38, 1-based): chr17:43,124,024, G>A on the plus strand (C>T on the coding strand, the complement: BRCA1 is on the minus strand). VCF-style: chr17-43124024-G-A. GRCh37 (hg19) VCF-style: chr17-41276041-G-A.
Other names: c.-116C>T (NM_001407571.1, NM_001407853.1, NM_001407879.1 and 46 more transcripts); c.73C>T, p.Pro25Ser (NM_001407581.1, NM_001407582.1, NM_001407583.1 and 193 more transcripts); c.-185C>T (NM_001407694.1, NM_001407724.1, NM_001407727.1 and 11 more transcripts); c.-189C>T (NM_001407695.1, NM_001408465.1); c.-330C>T (NM_001407696.1); c.-214C>T (NM_001407697.1, NM_001407846.1, NM_001407920.1); c.-15C>T (NM_001407698.1, NM_001407732.1, NM_001407736.1 and 23 more transcripts); c.-188C>T (NM_001407725.1, NM_001407730.1, NM_001407734.1 and 22 more transcripts); and 8 more; short protein forms P25S.
Identifiers: ClinVar variation 865064 (VCV000865064.3), dbSNP rs397509313, ClinGen allele CA10602010.
Genomic context (GRCh38, chr17:43,124,024, plus strand): 5'-CATAGGAGATAATCATAGGAATCCCAAATTAATACACTCTTGTGCTGACTTACCAGATGG[G>A]ACACTCTAAGATTTTCTGCATAGCATTAATGACATTTTGTACTTCTTCAACGCGAAGAGC-3'
Protein context (NP_009225.1, residues 15-35): INAMQKILEC[Pro25Ser]ICLELIKEPV